The following is an entry in ClinVar:

NM_013382.7(POMT2):c.1484+1_1484+3dup

Gene: POMT2 (protein O-mannosyltransferase 2; minus strand). Cytogenetic location: 14q24.3.
Variant type: Duplication.
Coding change: c.1484+1_1484+3dup on transcript NM_013382.7 (MANE Select); the canonical splice donor site of the intron after coding-DNA position 1484 through 3 bases into the intron after coding-DNA position 1484, 3 bases duplicated (GTA; older notation c.1484+1_1484+3dupGTA).
Molecular consequence: splice donor variant.
Genome position (GRCh38, 1-based): chr14:77,285,478-77,285,480, TAC duplicated on the plus strand (GTA on the coding strand, the reverse complement: POMT2 is on the minus strand). VCF-style (leftmost placement, unchanged base first): chr14-77285477-T-TTAC. GRCh37 (hg19) VCF-style: chr14-77751820-T-TTAC.
Identifiers: ClinVar variation 946060 (VCV000946060.5), dbSNP rs1890389214, ClinGen allele CA1139663575.

ClinVar aggregate classification (germline): Uncertain significance (1 of 4 stars; one submission).

Conditions:
Muscular dystrophy-dystroglycanopathy (congenital with brain and eye anomalies), type A2. Also called: MUSCULAR DYSTROPHY-DYSTROGLYCANOPATHY (CONGENITAL WITH BRAIN AND EYE ANOMALIES), TYPE A, 2; WALKER-WARBURG SYNDROME OR MUSCLE-EYE-BRAIN DISEASE, POMT2-RELATED. Identifiers: Orphanet 588, Orphanet 899, MedGen C3150411, MONDO:0013154, OMIM 613150.
Muscular dystrophy-dystroglycanopathy (congenital with impaired intellectual development), type B, 2. Also called: Muscular dystrophy-dystroglycanopathy (congenital with intellectual disability), type B2; MUSCULAR DYSTROPHY, CONGENITAL, POMT2-RELATED. Identifiers: MedGen C3150416, MONDO:0013160, OMIM 613156.
Autosomal recessive limb-girdle muscular dystrophy type 2N. Also called: Muscular dystrophy-dystroglycanopathy (limb-girdle), type C, 2; MUSCULAR DYSTROPHY-DYSTROGLYCANOPATHY, LIMB-GIRDLE, POMT2-RELATED. Identifiers: Orphanet 206559, MedGen C3150418, MONDO:0013162, OMIM 613158.

Submission:

Labcorp Genetics (formerly Invitae), Labcorp
Classification: Uncertain significance for Muscular dystrophy-dystroglycanopathy (congenital with impaired intellectual development), type B, 2; Muscular dystrophy-dystroglycanopathy (congenital with brain and eye anomalies), type A2; Autosomal recessive limb-girdle muscular dystrophy type 2N. Last evaluated: 2019-05-08. Review status: criteria provided, single submitter. Criteria: Invitae Variant Classification Sherloc (09022015). Collection method: clinical testing. Allele origin: germline.
Comment: This sequence change falls in intron 13 of the POMT2 gene. It does not directly change the encoded amino acid sequence of the POMT2 protein, but it affects a nucleotide within the consensus splice site of the intron. This variant is not present in population databases (ExAC no frequency). This variant has not been reported in the literature in individuals with POMT2-related conditions. Nucleotide substitutions within the consensus splice site are a relatively common cause of aberrant splicing (PMID: 17576681, 9536098). Algorithms developed to predict the effect of sequence changes on RNA splicing suggest that this variant may disrupt the consensus splice site, but this prediction has not been confirmed by published transcriptional studies. In summary, the available evidence is currently insufficient to determine the role of this variant in disease. Therefore, it has been classified as a Variant of Uncertain Significance.

Literature cited by the submitters: PubMed 17576681; PubMed 9536098.